The following is an entry in ClinVar:

NM_001009944.3(PKD1):c.2605del (p.Arg869fs)

Gene: PKD1 (polycystin 1, transient receptor potential channel interacting; minus strand). Cytogenetic location: 16p13.3.
Variant type: Deletion.
Coding change: c.2605del on transcript NM_001009944.3 (MANE Select); coding-DNA position 2605, one base deleted (C; older notation c.2605delC).
Protein change: p.Arg869fs; shifts the reading frame from arginine 869.
Molecular consequence: frameshift variant.
Genome position (GRCh38, 1-based): chr16:2,114,418, G deleted on the plus strand (C on the coding strand, the reverse complement: PKD1 is on the minus strand); the first of 3 consecutive G bases (chr16:2,114,418-2,114,420); deleting any one gives the same sequence. VCF-style (leftmost placement, unchanged base first): chr16-2114417-CG-C. GRCh37 (hg19) VCF-style: chr16-2164418-CG-C.
Other names: c.2605del, p.Arg869fs (NM_000296.4); short protein forms R869fs.
Identifiers: ClinVar variation 997321 (VCV000997321.1), dbSNP rs2092594790, ClinGen allele CA2202049696.

ClinVar aggregate classification (germline): Pathogenic (0 of 4 stars; one submission).

Conditions:
Polycystic kidney disease. Also called: Polycystic kidney dysplasia; Kidney, Polycystic. Identifiers: MedGen C0022680, MeSH D007690, MONDO:0020642, HP:0000113.

Submission:

Department of Pathology and Laboratory Medicine, Sinai Health System
Classification: Pathogenic for Polycystic Kidney disease. Review status: no assertion criteria provided. Collection method: clinical testing. Allele origin: unknown. Affected: yes. Study: The Canadian Open Genetics Repository (COGR).
Comment: The PKD1 p.Arg869AlafsX29 variant was not identified in the literature nor was it identified in the following databases: dbSBP, ClinVar, LOVD 3.0, ADPKD Mutation Database, or PKD1-LOVD. The variant was not identified in the control databases: the 1000 Genomes Project, the NHLBI GO Exome Sequencing Project, the Exome Aggregation Consortium (August 8th 2016), or the Genome Aggregation Database (Feb 27, 2017). The c.2605delC variant is predicted to cause a frameshift, which alters the protein amino acid sequence beginning at codon 869 and leads to a premature stop codon at position 897. This alteration is then predicted to result in a truncated or absent protein and loss of function. Loss of function variants of the PKD1 gene are an established mechanism of disease in Autosomal Dominant Polycystic Kidney Disease and is the type of variant expected to cause the disorder. In summary, based on the above information this variant meets our laboratoryâ€šÃ„Ã´s criteria to be classified as pathogenic.